The following is an entry in ClinVar:

NM_052844.4(DYNC2I2):c.1360G>A (p.Ala454Thr)

Gene: DYNC2I2 (dynein 2 intermediate chain 2; minus strand). Cytogenetic location: 9q34.11.
Variant type: single nucleotide variant.
Coding change: c.1360G>A on transcript NM_052844.4 (MANE Select); coding-DNA position 1360, G replaced by A.
Protein change: p.Ala454Thr; replaces alanine 454 with threonine.
Molecular consequence: missense variant.
Genome position (GRCh38, 1-based): chr9:128,634,238, C>T on the plus strand (G>A on the coding strand, the complement: DYNC2I2 is on the minus strand). VCF-style: chr9-128634238-C-T. GRCh37 (hg19) VCF-style: chr9-131396517-C-T.
Other names: short protein forms A454T.
Identifiers: ClinVar variation 1996238 (VCV001996238.4), dbSNP rs749018122, ClinGen allele CA375108950.

ClinVar aggregate classification (germline): Uncertain significance (1 of 4 stars; one submission).

Conditions:
Short-rib thoracic dysplasia 11 with or without polydactyly (SRTD11). Also called: SHORT-RIB THORACIC DYSPLASIA 11 WITHOUT POLYDACTYLY. Identifiers: Orphanet 474, Orphanet 93271, MedGen C3810200, MONDO:0014287, OMIM 615633.

Submission:

Labcorp Genetics (formerly Invitae), Labcorp
Classification: Uncertain significance for Short-rib thoracic dysplasia 11 with or without polydactyly. Last evaluated: 2022-05-18. Review status: criteria provided, single submitter. Criteria: Invitae Variant Classification Sherloc (09022015). Collection method: clinical testing. Allele origin: germline.
Comment: This sequence change replaces alanine, which is neutral and non-polar, with threonine, which is neutral and polar, at codon 454 of the WDR34 protein (p.Ala454Thr). This variant is not present in population databases (gnomAD no frequency). This variant has not been reported in the literature in individuals affected with WDR34-related conditions. Algorithms developed to predict the effect of missense changes on protein structure and function (SIFT, PolyPhen-2, Align-GVGD) all suggest that this variant is likely to be disruptive. In summary, the available evidence is currently insufficient to determine the role of this variant in disease. Therefore, it has been classified as a Variant of Uncertain Significance.